The following is an entry in ClinVar:

NM_000321.3(RB1):c.1499-17T>C

Gene: RB1 (RB transcriptional corepressor 1; plus strand). Cytogenetic location: 13q14.2.
Variant type: single nucleotide variant.
Coding change: c.1499-17T>C on transcript NM_000321.3 (MANE Select); 17 bases into the intron before coding-DNA position 1499, T replaced by C.
Molecular consequence: intron variant.
Genome position (GRCh38, 1-based): chr13:48,381,230, T>C. VCF-style: chr13-48381230-T-C. GRCh37 (hg19) VCF-style: chr13-48955366-T-C.
Identifiers: ClinVar variation 1542896 (VCV001542896.9), dbSNP rs1948532675, ClinGen allele CA955795708.

ClinVar aggregate classification (germline): Likely benign. Review status: criteria provided, multiple submitters, no conflicts (2 of 4 stars). 2 submissions from 2 submitters: Likely benign (2). Last evaluated 2026-06-18.

Conditions:
Retinoblastoma (RB1). Also called: RETINOBLASTOMA, SOMATIC. Identifiers: Orphanet 790, MedGen C0035335, MeSH D012175, MONDO:0008380, OMIM 180200, HP:0009919. Disease mechanism: loss of function. Inheritance: Both sporadic and heritable forms are tested..

Allele frequency attached by ClinVar (database versions not stated): TOPMed 0.00001; gnomAD 0.00001.
gnomAD v4.1: 1 of 1,586,416 alleles (0.000063%); highest among the groups gnomAD compares: Admixed American, 0.0017%; no homozygotes.

Submissions (2):

Myriad Genetics, Inc.
Classification: Likely benign for Retinoblastoma. Last evaluated: 2026-06-18. Review status: criteria provided, single submitter. Criteria: Myriad Autosomal Dominant, Autosomal Recessive and X-Linked Classification Criteria (2023). Collection method: clinical testing. Allele origin: unknown.
Comment: This variant is considered likely benign. This variant is intronic and is not expected to impact mRNA splicing.

Labcorp Genetics (formerly Invitae), Labcorp
Classification: Likely benign for Retinoblastoma. Last evaluated: 2023-11-01. Review status: criteria provided, single submitter. Criteria: Invitae Variant Classification Sherloc (09022015). Collection method: clinical testing. Allele origin: germline.